The following is an entry in ClinVar:

ClinVar aggregate classification (germline): Benign/Likely benign. Review status: criteria provided, multiple submitters, no conflicts (2 of 4 stars). 5 submissions from 5 submitters: Benign (2); Likely benign (3). Last evaluated 2026-02-02.

Conditions:
Autosomal recessive limb-girdle muscular dystrophy type R18 (LGMDR18). Also called: MUSCULAR DYSTROPHY, LIMB-GIRDLE, AUTOSOMAL RECESSIVE 18; Limb-girdle muscular dystrophy, type 2S; Autosomal recessive limb-girdle muscular dystrophy type 2S. Identifiers: Orphanet 369840, MedGen C4517996, MONDO:0014144, OMIM 615356.

Allele frequency attached by ClinVar (database versions not stated): gnomAD 0.00055 and 0.00125; ESP Exome Variant Server 0.00062; TOPMed 0.00081; 1000 Genomes Project 0.00519; 1000 Genomes Project 30x 0.00531.
gnomAD v4.1: 3,208 of 1,613,004 alleles (0.2%); highest among the groups gnomAD compares: South Asian, 2.4%; 63 homozygotes.

Submissions (5):

Labcorp Genetics (formerly Invitae), Labcorp
Classification: Benign for Autosomal recessive limb-girdle muscular dystrophy type R18. Last evaluated: 2026-02-02. Review status: criteria provided, single submitter. Criteria: Invitae Variant Classification Sherloc (09022015). Collection method: clinical testing. Allele origin: germline.

GeneDx
Classification: Likely benign. Last evaluated: 2024-12-02. Review status: criteria provided, single submitter. Criteria: GeneDx Variant Classification Process June 2021. Collection method: clinical testing. Allele origin: germline. Affected: yes.
Comment: See Variant Classification Assertion Criteria.

Mayo Clinic Laboratories, Mayo Clinic
Classification: Benign. Last evaluated: 2024-08-09. Review status: criteria provided, single submitter. Criteria: ACMG Guidelines, 2015. Collection method: clinical testing. Allele origin: germline. Observed: 2 variant alleles.

Breakthrough Genomics
Classification: Likely benign. Review status: criteria provided, single submitter. Criteria: ACMG Guidelines, 2015. Collection method: not provided. Allele origin: germline. Inheritance: Autosomal recessive inheritance. Affected: yes.

PreventionGenetics, part of Exact Sciences
Classification: Likely benign. Review status: criteria provided, single submitter. Criteria: ACMG Guidelines, 2015. Collection method: clinical testing. Allele origin: germline.

NM_021942.6(TRAPPC11):c.219G>C (p.Glu73Asp)

Gene: TRAPPC11 (trafficking protein particle complex subunit 11; plus strand). Cytogenetic location: 4q35.1.
Variant type: single nucleotide variant.
Coding change: c.219G>C on transcript NM_021942.6 (MANE Select); coding-DNA position 219, G replaced by C.
Protein change: p.Glu73Asp; replaces glutamic acid 73 with aspartic acid.
Molecular consequence: missense variant.
Genome position (GRCh38, 1-based): chr4:183,666,271, G>C. VCF-style: chr4-183666271-G-C. GRCh37 (hg19) VCF-style: chr4-184587424-G-C.
Other names: p.Glu73Asp; c.219G>C, p.Glu73Asp (NM_199053.3); short protein forms E73D.
Identifiers: ClinVar variation 261445 (VCV000261445.21), dbSNP rs138760818, ClinGen allele CA3151533.